The following is an entry in ClinVar:

NM_005612.5(REST):c.290C>T (p.Ala97Val)

Gene: REST (RE1 silencing transcription factor; plus strand). Cytogenetic location: 4q12.
Variant type: single nucleotide variant.
Coding change: c.290C>T on transcript NM_005612.5 (MANE Select); coding-DNA position 290, C replaced by T.
Protein change: p.Ala97Val; replaces alanine 97 with valine.
Molecular consequence: missense variant.
Genome position (GRCh38, 1-based): chr4:56,910,928, C>T. VCF-style: chr4-56910928-C-T. GRCh37 (hg19) VCF-style: chr4-57777094-C-T.
Other names: c.290C>T, p.Ala97Val (NM_001193508.2, NM_001363453.3); short protein forms A97V.
Identifiers: ClinVar variation 2187341 (VCV002187341.4), dbSNP rs761757985, ClinGen allele CA2932069.

ClinVar aggregate classification (germline): Uncertain significance (1 of 4 stars; one submission).

Allele frequency attached by ClinVar (database versions not stated): ExAC 0.00001; gnomAD 0.00001; TOPMed 0.00001.
gnomAD v4.1: 4 of 1,614,026 alleles (0.00025%); highest among the groups gnomAD compares: East Asian, 0.0067%; no homozygotes.

Submission:

Labcorp Genetics (formerly Invitae), Labcorp
Classification: Uncertain significance. Last evaluated: 2022-01-16. Review status: criteria provided, single submitter. Criteria: Invitae Variant Classification Sherloc (09022015). Collection method: clinical testing. Allele origin: germline.
Comment: This sequence change replaces alanine, which is neutral and non-polar, with valine, which is neutral and non-polar, at codon 97 of the REST protein (p.Ala97Val). The frequency data for this variant in the population databases is considered unreliable, as metrics indicate poor data quality at this position in the gnomAD database. This variant has not been reported in the literature in individuals affected with REST-related conditions. Algorithms developed to predict the effect of missense changes on protein structure and function (SIFT, PolyPhen-2, Align-GVGD) all suggest that this variant is likely to be tolerated. In summary, the available evidence is currently insufficient to determine the role of this variant in disease. Therefore, it has been classified as a Variant of Uncertain Significance.